The following is an entry in ClinVar:

NM_000170.3(GLDC):c.437C>T (p.Thr146Met)

Gene: GLDC (glycine decarboxylase; minus strand). Cytogenetic location: 9p24.1.
Variant type: single nucleotide variant.
Coding change: c.437C>T on transcript NM_000170.3 (MANE Select); coding-DNA position 437, C replaced by T.
Protein change: p.Thr146Met; replaces threonine 146 with methionine.
Molecular consequence: missense variant.
Genome position (GRCh38, 1-based): chr9:6,620,217, G>A on the plus strand (C>T on the coding strand, the complement: GLDC is on the minus strand). VCF-style: chr9-6620217-G-A. GRCh37 (hg19) VCF-style: chr9-6620217-G-A.
Other names: short protein forms T146M.
Identifiers: ClinVar variation 1186729 (VCV001186729.9), dbSNP rs376578742, ClinGen allele CA4981156.

ClinVar aggregate classification (germline): Conflicting classifications of pathogenicity. Review status: criteria provided, conflicting classifications (1 of 4 stars). 5 submissions from 5 submitters: Likely pathogenic (1); Uncertain significance (3). 1 of the submissions does not count toward it. Last evaluated 2025-11-28.

Conditions:
Glycine encephalopathy 1 (GCE1). Identifiers: MedGen CN376801, MONDO:0958179, OMIM 605899.
Glycine encephalopathy. Also called: Nonketotic hyperglycinemia; Non-ketotic hyperglycinemia. Identifiers: Orphanet 407, MedGen C0751748, MONDO:0011612, HP:0008288.

Allele frequency attached by ClinVar (database versions not stated): gnomAD 0.00001 and 0.00002; gnomAD exomes 0.00002; TOPMed 0.00003; ESP Exome Variant Server 0.00008.
gnomAD v4.1: 26 of 1,613,376 alleles (0.0016%); highest among the groups gnomAD compares: Middle Eastern, 0.052%; no homozygotes.

Submissions (5):

Labcorp Genetics (formerly Invitae), Labcorp
Classification: Likely pathogenic for Glycine encephalopathy. Last evaluated: 2025-11-28. Review status: criteria provided, single submitter. Criteria: Invitae Variant Classification Sherloc (09022015). Collection method: clinical testing. Allele origin: germline.
Comment: This sequence change replaces threonine, which is neutral and polar, with methionine, which is neutral and non-polar, at codon 146 of the GLDC protein (p.Thr146Met). This variant is present in population databases (rs376578742, gnomAD 0.01%). This variant has not been reported in the literature in individuals affected with GLDC-related conditions. ClinVar contains an entry for this variant (Variation ID: 1186729). Invitae Evidence Modeling of protein sequence and biophysical properties (such as structural, functional, and spatial information, amino acid conservation, physicochemical variation, residue mobility, and thermodynamic stability) indicates that this missense variant is expected to disrupt GLDC protein function with a positive predictive value of 95%. This variant disrupts the p.Thr146 amino acid residue in GLDC. Other variant(s) that disrupt this residue have been determined to be pathogenic (PMID: 27362913, 28244183). This suggests that this residue is clinically significant, and that variants that disrupt this residue are likely to be disease-causing. In summary, the currently available evidence indicates that the variant is pathogenic, but additional data are needed to prove that conclusively. Therefore, this variant has been classified as Likely Pathogenic.

3billion
Classification: Uncertain significance for Glycine encephalopathy 1. Last evaluated: 2025-05-27. Review status: criteria provided, single submitter. Criteria: ACMG Guidelines, 2015. Collection method: clinical testing. Allele origin: germline. Affected: yes.
Comment: The variant is observed at an extremely low frequency in the gnomAD v4.1.0 dataset (total allele frequency: 0.002%). Predicted Consequence/Location: Missense variant In silico tool predictions suggest damaging effect of the variant on gene or gene product [REVEL: 0.56 (>=0.6, sensitivity 0.68 and specificity 0.92); 3Cnet: 0.87 (> 0.75, sensitivity 0.96 and precision 0.92)]. A different missense change at the same codon (p.Thr146Lys) has been reported as pathogenic/likely pathogenic with strong evidence (ClinVar ID: VCV000495700 /PMID: 27362913). Therefore, this variant is classified as VUS according to the recommendation of ACMG/AMP guideline.

GeneDx
Classification: Uncertain significance. Last evaluated: 2019-09-09. Review status: criteria provided, single submitter. Criteria: GeneDx Variant Classification Process June 2021. Collection method: clinical testing. Allele origin: germline. Affected: yes.
Comment: In silico analysis, which includes protein predictors and evolutionary conservation, supports a deleterious effect; Has not been previously published as pathogenic or benign to our knowledge

Breakthrough Genomics
Classification: Uncertain significance. Review status: criteria provided, single submitter. Criteria: ACMG Guidelines, 2015. Collection method: not provided. Allele origin: germline. Inheritance: Autosomal recessive inheritance. Affected: yes.

Natera, Inc.
Classification: Uncertain significance for Non-ketotic hyperglycinemia. Last evaluated: 2020-03-27. Review status: no assertion criteria provided. Collection method: clinical testing. Allele origin: germline. Not counted in ClinVar's aggregate classification.

Literature cited by the submitters: PubMed 27362913 (cited by Labcorp Genetics (formerly Invitae), Labcorp and 3billion); PubMed 28244183 (cited by Labcorp Genetics (formerly Invitae), Labcorp).